The following is an entry in ClinVar:

NM_000268.4(NF2):c.1207G>C (p.Ala403Pro)

Gene: NF2 (NF2, moesin-ezrin-radixin like (MERLIN) tumor suppressor; plus strand). Cytogenetic location: 22q12.2.
Variant type: single nucleotide variant.
Coding change: c.1207G>C on transcript NM_000268.4 (MANE Select); coding-DNA position 1207, G replaced by C.
Protein change: p.Ala403Pro; replaces alanine 403 with proline.
Molecular consequence: missense variant. On other transcripts: intron variant (1).
Genome position (GRCh38, 1-based): chr22:29,673,353, G>C. VCF-style: chr22-29673353-G-C. GRCh37 (hg19) VCF-style: chr22-30069342-G-C.
Other names: c.1093G>C, p.Ala365Pro (NM_001407053.1, NM_001407056.1); c.1084G>C, p.Ala362Pro (NM_001407054.1, NM_001407058.1, NM_181829.3); c.1081G>C, p.Ala361Pro (NM_001407055.1, NM_181828.3); c.1072G>C, p.Ala358Pro (NM_001407057.1, NM_001407059.1); c.1207G>C, p.Ala403Pro (NM_001407060.1, NM_001407066.1, NM_016418.5 and 2 more transcripts); c.949G>C, p.Ala317Pro (NM_001407062.1); c.958G>C, p.Ala320Pro (NM_001407063.1, NM_001407064.1, NM_181830.3 and 1 more transcripts); c.673G>C, p.Ala225Pro (NM_001407065.1); and 2 more; short protein forms A358P, A362P, A403P, A361P, A320P, A326P, A365P, A225P.
Identifiers: ClinVar variation 5025707 (VCV005025707.1).

ClinVar aggregate classification (germline): Uncertain significance (1 of 4 stars; one submission).

Conditions:
Hereditary cancer-predisposing syndrome. Also called: Neoplastic Syndromes, Hereditary; Tumor predisposition; Hereditary neoplastic syndrome; Hereditary Cancer Syndrome. Identifiers: Orphanet 140162, MedGen C0027672, MeSH D009386, MONDO:0015356.

Submission:

Ambry Genetics
Classification: Uncertain significance for Hereditary cancer-predisposing syndrome. Last evaluated: 2026-08-10. Review status: criteria provided, single submitter. Criteria: Ambry Variant Classification Scheme 2023. Collection method: clinical testing. Allele origin: germline.
Comment: The p.A403P variant (also known as c.1207G>C), located in coding exon 12 of the NF2 gene, results from a G to C substitution at nucleotide position 1207. The alanine at codon 403 is replaced by proline, an amino acid with highly similar properties. This amino acid position is conserved. In addition, the in silico prediction for this alteration is inconclusive. Based on the available evidence, the clinical significance of this variant remains unclear.